The following is an entry in ClinVar:

NM_014363.6(SACS):c.10327A>C (p.Lys3443Gln)

Gene: SACS (sacsin molecular chaperone; minus strand). Cytogenetic location: 13q12.12.
Variant type: single nucleotide variant.
Coding change: c.10327A>C on transcript NM_014363.6 (MANE Select); coding-DNA position 10327, A replaced by C.
Protein change: p.Lys3443Gln; replaces lysine 3443 with glutamine.
Molecular consequence: missense variant.
Genome position (GRCh38, 1-based): chr13:23,333,549, T>G on the plus strand (A>C on the coding strand, the complement: SACS is on the minus strand). VCF-style: chr13-23333549-T-G. GRCh37 (hg19) VCF-style: chr13-23907688-T-G.
Other names: c.9886A>C, p.Lys3296Gln (NM_001278055.2); short protein forms K3443Q, K3296Q.
Identifiers: ClinVar variation 644141 (VCV000644141.6), dbSNP rs768317695, ClinGen allele CA246652566.
Genomic context (GRCh38, chr13:23,333,549, plus strand): 5'-ATAGTTCTTTTAAGTGTATTTTTTCTTCAAGAAATGCAGATGATGATGACTGTGTCCATT[T>G]CTCCACTTCAGCTGAAGGGATACTTTTTGTAAGTACGTAGCATGTTCCAAATTTTCCAAT-3'
Protein context (NP_055178.3, residues 3433-3453): TKSIPSAEVE[Lys3443Gln]WTQSSSSAFL

ClinVar aggregate classification (germline): Uncertain significance (1 of 4 stars; one submission).

Conditions:
Spastic paraplegia. Identifiers: MedGen C0037772, HP:0001258.

gnomAD v4.1: 2 of 1,613,654 alleles (0.00012%); highest among the groups gnomAD compares: Non-Finnish European, 0.00017%; no homozygotes.

Submission:

Labcorp Genetics (formerly Invitae), Labcorp
Classification: Uncertain significance for Spastic paraplegia. Last evaluated: 2021-08-27. Review status: criteria provided, single submitter. Criteria: Invitae Variant Classification Sherloc (09022015). Collection method: clinical testing. Allele origin: germline.
Comment: This sequence change replaces lysine with glutamine at codon 3443 of the SACS protein (p.Lys3443Gln). The lysine residue is moderately conserved and there is a small physicochemical difference between lysine and glutamine. This variant is not present in population databases (ExAC no frequency). This variant has not been reported in the literature in individuals affected with SACS-related conditions. Algorithms developed to predict the effect of missense changes on protein structure and function are either unavailable or do not agree on the potential impact of this missense change (SIFT: "Deleterious"; PolyPhen-2: "Benign"; Align-GVGD: "Class C0"). In summary, the available evidence is currently insufficient to determine the role of this variant in disease. Therefore, it has been classified as a Variant of Uncertain Significance.